The following is an entry in ClinVar:

NM_001367624.2(ZNF469):c.7955_7956del (p.Ser2652fs)

Gene: ZNF469 (zinc finger protein 469; plus strand). Cytogenetic location: 16q24.2.
Variant type: Microsatellite.
Coding change: c.7955_7956del on transcript NM_001367624.2 (MANE Select); coding-DNA positions 7955 to 7956, 2 bases deleted (CT; older notation c.7955_7956delCT).
Protein change: p.Ser2652fs; shifts the reading frame from serine 2652.
Molecular consequence: frameshift variant.
Genome position (GRCh38, 1-based): chr16:88,435,425-88,435,426, CT deleted; deleting any 2 consecutive bases within chr16:88,435,422-88,435,426 gives the same sequence; the c. name uses the placement nearest the transcript's 3' end. VCF-style (leftmost placement, unchanged base first): chr16-88435421-GTC-G. GRCh37 (hg19) VCF-style: chr16-88501829-GTC-G.
Other names: short protein forms S2652fs.
Identifiers: ClinVar variation 2753732 (VCV002753732.3), dbSNP rs2507598029, ClinGen allele CA2697556048.

ClinVar aggregate classification (germline): Pathogenic (1 of 4 stars; one submission).

Submission:

Labcorp Genetics (formerly Invitae), Labcorp
Classification: Pathogenic. Last evaluated: 2023-08-18. Review status: criteria provided, single submitter. Criteria: Invitae Variant Classification Sherloc (09022015). Collection method: clinical testing. Allele origin: germline.
Comment: For these reasons, this variant has been classified as Pathogenic. This variant disrupts a region of the ZNF469 protein in which other variant(s) (p.Pro3556Glnfs*136) have been determined to be pathogenic (PMID: 32671420). This suggests that this is a clinically significant region of the protein, and that variants that disrupt it are likely to be disease-causing. This variant has not been reported in the literature in individuals affected with ZNF469-related conditions. This variant is not present in population databases (gnomAD no frequency). This sequence change creates a premature translational stop signal (p.Ser2624Cysfs*2) in the ZNF469 gene. While this is not anticipated to result in nonsense mediated decay, it is expected to disrupt the last 1302 amino acid(s) of the ZNF469 protein.

Literature cited by the submitters: PubMed 32671420.